The following is an entry in ClinVar:

NM_032601.3(MCEE):c.-16C>T

Gene: MCEE (methylmalonyl-CoA epimerase; minus strand). Cytogenetic location: 2p13.3.
Variant type: single nucleotide variant.
Coding change: c.-16C>T on transcript NM_032601.3; 16 bases upstream of the start codon, C replaced by T.
Genome position (GRCh38, 1-based): chr2:71,130,235, G>A on the plus strand (C>T on the coding strand, the complement: MCEE is on the minus strand). VCF-style: chr2-71130235-G-A. GRCh37 (hg19) VCF-style: chr2-71357365-G-A.
Identifiers: ClinVar variation 514778 (VCV000514778.3), dbSNP rs781015371, ClinGen allele CA1702699.
Genomic context (GRCh38, chr2:71,130,235, plus strand): 5'-TTCACCTACGGCATTCGCGGCTGCAGCCTTCAGCACCCGCGCCATTTTGGAAAGCAACCC[G>A]CCACGTCAAGACTAGCCACGGAGGTTGAGAGACGCGCGGCAGAGGGCGGGGCGGGAGGCA-3'

ClinVar aggregate classification (germline): Likely benign (1 of 4 stars; one submission).

Allele frequency attached by ClinVar (database versions not stated): gnomAD 0.00001; TOPMed 0.00001; gnomAD exomes 0.00002; ExAC 0.00001.

Submission:

GeneDx
Classification: Likely benign. Last evaluated: 2018-02-06. Review status: criteria provided, single submitter. Criteria: GeneDx Variant Classification (06012015). Collection method: clinical testing. Allele origin: germline. Affected: yes.
Comment: This variant is considered likely benign or benign based on one or more of the following criteria: it is a conservative change, it occurs at a poorly conserved position in the protein, it is predicted to be benign by multiple in silico algorithms, and/or has population frequency not consistent with disease.